The following is an entry in ClinVar:

ClinVar aggregate classification (germline): Uncertain significance (1 of 4 stars; one submission).

Submission:

Labcorp Genetics (formerly Invitae), Labcorp
Classification: Uncertain significance. Last evaluated: 2025-06-20. Review status: criteria provided, single submitter. Criteria: Invitae Variant Classification Sherloc (09022015). Collection method: clinical testing. Allele origin: germline.
Comment: This sequence change replaces alanine, which is neutral and non-polar, with proline, which is neutral and non-polar, at codon 787 of the DUOX2 protein (p.Ala787Pro). This variant is not present in population databases (gnomAD no frequency). This variant has not been reported in the literature in individuals affected with DUOX2-related conditions. Invitae Evidence Modeling of protein sequence and biophysical properties (such as structural, functional, and spatial information, amino acid conservation, physicochemical variation, residue mobility, and thermodynamic stability) indicates that this missense variant is not expected to disrupt DUOX2 protein function with a negative predictive value of 80%. In summary, the available evidence is currently insufficient to determine the role of this variant in disease. Therefore, it has been classified as a Variant of Uncertain Significance.

NM_001363711.2(DUOX2):c.2359G>C (p.Ala787Pro)

Gene: DUOX2 (dual oxidase 2; minus strand). Cytogenetic location: 15q21.1.
Variant type: single nucleotide variant.
Coding change: c.2359G>C on transcript NM_001363711.2 (MANE Select); coding-DNA position 2359, G replaced by C.
Protein change: p.Ala787Pro; replaces alanine 787 with proline.
Molecular consequence: missense variant.
Genome position (GRCh38, 1-based): chr15:45,104,341, C>G on the plus strand (G>C on the coding strand, the complement: DUOX2 is on the minus strand). VCF-style: chr15-45104341-C-G. GRCh37 (hg19) VCF-style: chr15-45396539-C-G.
Other names: c.2359G>C, p.Ala787Pro (NM_014080.5); short protein forms A787P.
Identifiers: ClinVar variation 4699600 (VCV004699600.1).